The following is an entry in ClinVar:

NM_001130009.3(GEN1):c.1720T>A (p.Ser574Thr)

Gene: GEN1 (GEN1 structure-specific endonuclease; plus strand). Cytogenetic location: 2p24.2.
Variant type: single nucleotide variant.
Coding change: c.1720T>A on transcript NM_001130009.3 (MANE Select); coding-DNA position 1720, T replaced by A.
Protein change: p.Ser574Thr; replaces serine 574 with threonine.
Molecular consequence: missense variant.
Genome position (GRCh38, 1-based): chr2:17,780,932, T>A. VCF-style: chr2-17780932-T-A. GRCh37 (hg19) VCF-style: chr2-17962199-T-A.
Other names: c.1720T>A, p.Ser574Thr (NM_182625.5); short protein forms S574T.
Identifiers: ClinVar variation 4857938 (VCV004857938.1).

ClinVar aggregate classification (germline): Uncertain significance (1 of 4 stars; one submission).

Submission:

Ambry Genetics
Classification: Uncertain significance. Last evaluated: 2026-03-17. Review status: criteria provided, single submitter. Criteria: Ambry Variant Classification Scheme 2023. Collection method: clinical testing. Allele origin: germline.
Comment: The p.S574T variant (also known as c.1720T>A), located in coding exon 13 of the GEN1 gene, results from a T to A substitution at nucleotide position 1720. The serine at codon 574 is replaced by threonine, an amino acid with similar properties. This amino acid position is conserved. In addition, this alteration is predicted to be tolerated by in silico analysis. Based on the available evidence, the clinical significance of this variant remains unclear.